The following is an entry in ClinVar:

NM_002354.3(EPCAM):c.294C>G (p.Asp98Glu)

Gene: EPCAM (epithelial cell adhesion molecule; plus strand). Cytogenetic location: 2p21.
Variant type: single nucleotide variant.
Coding change: c.294C>G on transcript NM_002354.3 (MANE Select); coding-DNA position 294, C replaced by G.
Protein change: p.Asp98Glu; replaces aspartic acid 98 with glutamic acid.
Molecular consequence: missense variant.
Genome position (GRCh38, 1-based): chr2:47,373,917, C>G. VCF-style: chr2-47373917-C-G. GRCh37 (hg19) VCF-style: chr2-47601056-C-G.
Other names: short protein forms D98E.
Identifiers: ClinVar variation 1050549 (VCV001050549.1), dbSNP rs756803114, ClinGen allele CA1648948.

ClinVar aggregate classification (germline): Uncertain significance (0 of 4 stars; one submission).

Allele frequency attached by ClinVar (database versions not stated): gnomAD exomes below 0.00001 and 0.00001; ExAC 0.00001.
gnomAD v4.1: 6 of 1,614,082 alleles (0.00037%); highest among the groups gnomAD compares: Non-Finnish European, 0.00051%; no homozygotes.

Submission:

Department of Pathology and Laboratory Medicine, Sinai Health System
Classification: Uncertain significance. Review status: no assertion criteria provided. Collection method: clinical testing. Allele origin: unknown. Affected: yes. Study: The Canadian Open Genetics Repository (COGR).
Comment: The EPCAM p.Asp98Glu variant was not identified in the literature nor was it identified in ClinVar. The variant was identified in dbSNP (ID: rs756803114) and in Cosmic (FATHMM predicted neutral; score=0.07). The variant was also identified in control databases in 1 of 251484 chromosomes at a frequency of 0.000004 (Genome Aggregation Database Feb 27, 2017). The variant was observed in the following population: European (non-Finnish) in 1 of 113758 chromosomes (freq: 0.000009); it was not observed in the African, Latino, Ashkenazi Jewish, East Asian, European (Finnish), Other, and South Asian populations. The variant occurs outside of the splicing consensus sequence and three of four in silico or computational prediction software programs (MaxEntScan, NNSPLICE, GeneSplicer) do not predict a difference in splicing. The p.Asp98 residue is not conserved in mammals and computational analyses (PolyPhen-2, SIFT, AlignGVGD, BLOSUM, MutationTaster) do not suggest a high likelihood of impact to the protein; however, this information is not predictive enough to rule out pathogenicity.The variant occurs outside of the splicing consensus sequence and in silico or computational prediction software programs (SpliceSiteFinder, MaxEntScan, NNSPLICE, GeneSplicer) do not predict a difference in splicing. In summary, based on the above information the clinical significance of this variant cannot be determined with certainty at this time. This variant is classified as a variant of uncertain significance.